The following is an entry in ClinVar:

NM_001113491.2(SEPTIN9):c.365C>T (p.Ala122Val)

Gene: SEPTIN9 (septin 9; plus strand). Cytogenetic location: 17q25.3.
Variant type: single nucleotide variant.
Coding change: c.365C>T on transcript NM_001113491.2 (MANE Select); coding-DNA position 365, C replaced by T.
Protein change: p.Ala122Val; replaces alanine 122 with valine.
Molecular consequence: missense variant. On other transcripts: 5 prime UTR variant (2).
Genome position (GRCh38, 1-based): chr17:77,402,347, C>T. VCF-style: chr17-77402347-C-T. GRCh37 (hg19) VCF-style: chr17-75398429-C-T.
Other names: c.-128C>T (NM_001113492.2, NM_001113494.1); c.344C>T, p.Ala115Val (NM_001113493.2); c.308C>T, p.Ala103Val (NM_001293695.2); c.311C>T, p.Ala104Val (NM_006640.5); short protein forms A103V, A122V, A104V, A115V.
Identifiers: ClinVar variation 2989744 (VCV002989744.3), dbSNP rs981332202, ClinGen allele CA294282833.
Genomic context (GRCh38, chr17:77,402,347, plus strand): 5'-AGCCGGTGTCCCGGCGCACTGAGCTGTCCATTGACATCTCGTCCAAGCAGGTGGAGAACG[C>T]CGGGGCCATCGGCCCGTCCCGGTTCGGGCTCAAGAGGGCCGAGGTGTTGGGCCACAAGAC-3'
Protein context (NP_001106963.1, residues 112-132): IDISSKQVEN[Ala122Val]GAIGPSRFGL

ClinVar aggregate classification (germline): Uncertain significance (1 of 4 stars; one submission).

Allele frequency attached by ClinVar (database versions not stated): gnomAD exomes below 0.00001.
gnomAD v4.1: 1 of 1,612,540 alleles (0.000062%); highest among the groups gnomAD compares: Non-Finnish European, 0.000085%; no homozygotes.

Submission:

Labcorp Genetics (formerly Invitae), Labcorp
Classification: Uncertain significance. Last evaluated: 2023-03-19. Review status: criteria provided, single submitter. Criteria: Invitae Variant Classification Sherloc (09022015). Collection method: clinical testing. Allele origin: germline.
Comment: This sequence change replaces alanine, which is neutral and non-polar, with valine, which is neutral and non-polar, at codon 104 of the SEPT9 protein (p.Ala104Val). This variant is not present in population databases (gnomAD no frequency). This variant has not been reported in the literature in individuals affected with SEPT9-related conditions. Advanced modeling of protein sequence and biophysical properties (such as structural, functional, and spatial information, amino acid conservation, physicochemical variation, residue mobility, and thermodynamic stability) performed at Invitae indicates that this missense variant is not expected to disrupt SEPT9 protein function. In summary, the available evidence is currently insufficient to determine the role of this variant in disease. Therefore, it has been classified as a Variant of Uncertain Significance.